The following is an entry in ClinVar:

NM_000038.6(APC):c.7836G>T (p.Trp2612Cys)

Gene: APC (APC regulator of Wnt signaling pathway; plus strand). Cytogenetic location: 5q22.2.
Variant type: single nucleotide variant.
Coding change: c.7836G>T on transcript NM_000038.6 (MANE Select); coding-DNA position 7836, G replaced by T.
Protein change: p.Trp2612Cys; replaces tryptophan 2612 with cysteine.
Molecular consequence: missense variant. On other transcripts: non-coding transcript variant (2).
Genome position (GRCh38, 1-based): chr5:112,843,430, G>T. VCF-style: chr5-112843430-G-T. GRCh37 (hg19) VCF-style: chr5-112179127-G-T.
Other names: c.7836G>T, p.Trp2612Cys (NM_001127510.3, NM_001354895.2, NM_001407450.1); c.7782G>T, p.Trp2594Cys (NM_001127511.3); c.7890G>T, p.Trp2630Cys (NM_001354896.2, NM_001407447.1, NM_001407448.1 and 1 more transcripts); c.7866G>T, p.Trp2622Cys (NM_001354897.2); c.7761G>T, p.Trp2587Cys (NM_001354898.2); c.7752G>T, p.Trp2584Cys (NM_001354899.2); c.7713G>T, p.Trp2571Cys (NM_001354900.2); c.7659G>T, p.Trp2553Cys (NM_001354901.2, NM_001407453.1); and 11 more; short protein forms W2329C, W2511C, W2605C, W2630C, W2521C, W2529C, W2553C, W2584C.
Identifiers: ClinVar variation 4121897 (VCV004121897.1).

ClinVar aggregate classification (germline): Uncertain significance (1 of 4 stars; one submission).

Conditions:
Hereditary cancer-predisposing syndrome. Also called: Hereditary neoplastic syndrome; Neoplastic Syndromes, Hereditary; Tumor predisposition; Hereditary Cancer Syndrome. Identifiers: Orphanet 140162, MedGen C0027672, MeSH D009386, MONDO:0015356.

Submission:

Ambry Genetics
Classification: Uncertain significance for Hereditary cancer-predisposing syndrome. Last evaluated: 2025-09-11. Review status: criteria provided, single submitter. Criteria: Ambry Variant Classification Scheme 2023. Collection method: clinical testing. Allele origin: germline.
Comment: The p.W2612C variant (also known as c.7836G>T), located in coding exon 15 of the APC gene, results from a G to T substitution at nucleotide position 7836. The tryptophan at codon 2612 is replaced by cysteine, an amino acid with highly dissimilar properties. This amino acid position is conserved. In addition, in silico predictors for this gene do not accurately predict pathogenicity. Based on the available evidence, the clinical significance of this variant remains unclear.